The following is an entry in ClinVar:

ClinVar aggregate classification (germline): Likely benign. Review status: criteria provided, multiple submitters, no conflicts (2 of 4 stars). 3 submissions from 3 submitters: Likely benign (3). Last evaluated 2026-01-12.

Conditions:
MEGF8-related Carpenter syndrome. Also called: Carpenter syndrome 2. Identifiers: Orphanet 65759, MedGen C3554247, MONDO:0013998, OMIM 614976.

Allele frequency attached by ClinVar (database versions not stated): ExAC 0.00002; gnomAD exomes 0.00003; ESP Exome Variant Server 0.00015.

Submissions (3):

Labcorp Genetics (formerly Invitae), Labcorp
Classification: Likely benign for MEGF8-related Carpenter syndrome. Last evaluated: 2026-01-12. Review status: criteria provided, single submitter. Criteria: Invitae Variant Classification Sherloc (09022015). Collection method: clinical testing. Allele origin: germline.

Blueprint Genetics
Classification: Likely benign. Last evaluated: 2024-09-09. Review status: criteria provided, single submitter. Criteria: ACMG Guidelines, 2015. Collection method: clinical testing. Allele origin: germline.

CeGaT Center for Human Genetics Tuebingen
Classification: Likely benign. Last evaluated: 2022-11-01. Review status: criteria provided, single submitter. Criteria: CeGaT Center For Human Genetics Tuebingen Variant Classification Criteria Version 2. Collection method: clinical testing. Allele origin: germline. Affected: yes. Observed: 1 variant allele.
Comment: MEGF8: BP4, BP7

NM_001271938.2(MEGF8):c.6705C>T (p.Pro2235=)

Gene: MEGF8 (multiple EGF like domains 8; plus strand). Cytogenetic location: 19q13.2.
Variant type: single nucleotide variant.
Coding change: c.6705C>T on transcript NM_001271938.2 (MANE Select); coding-DNA position 6705, C replaced by T.
Protein change: p.Pro2235=; no amino-acid change (proline 2235 retained).
Molecular consequence: synonymous variant.
Genome position (GRCh38, 1-based): chr19:42,369,594, C>T. VCF-style: chr19-42369594-C-T. GRCh37 (hg19) VCF-style: chr19-42873746-C-T.
Other names: c.6504C>T, p.Pro2168= (NM_001410.3).
Identifiers: ClinVar variation 1666088 (VCV001666088.38), dbSNP rs149735243, ClinGen allele CA9475959.